The following is an entry in ClinVar:

NM_001206927.2(DNAH8):c.5968C>T (p.His1990Tyr)

Gene: DNAH8 (dynein axonemal heavy chain 8; plus strand). Cytogenetic location: 6p21.2.
Variant type: single nucleotide variant.
Coding change: c.5968C>T on transcript NM_001206927.2 (MANE Select); coding-DNA position 5968, C replaced by T.
Protein change: p.His1990Tyr; replaces histidine 1990 with tyrosine.
Molecular consequence: missense variant.
Genome position (GRCh38, 1-based): chr6:38,860,466, C>T. VCF-style: chr6-38860466-C-T. GRCh37 (hg19) VCF-style: chr6-38828242-C-T.
Other names: c.5968C>T (NM_001206927.1); c.5317C>T, p.His1773Tyr (NM_001371.4); short protein forms H1773Y, H1990Y.
Identifiers: ClinVar variation 1371924 (VCV001371924.7), dbSNP rs1776528709, ClinGen allele CA364020312.
Genomic context (GRCh38, chr6:38,860,466, plus strand): 5'-TTATGCTATTGCAATTCAGTATATAATTTTTTTGTATTTTATGTTTTTAAGGTAAAAATG[C>T]ATATCAAATCACCTACTGACTTTGAATGGCTAAAACAGAGTAGATTTTATTTTAAGGAAG-3'
Protein context (NP_001193856.1, residues 1980-2000): RDIFDDLVKM[His1990Tyr]IKSPTDFEWL

ClinVar aggregate classification (germline): Uncertain significance. Review status: criteria provided, multiple submitters, no conflicts (2 of 4 stars). 2 submissions from 2 submitters: Uncertain significance (2). Last evaluated 2024-08-12.

Conditions:
Primary ciliary dyskinesia. Also called: Ciliary dyskinesia. Identifiers: Orphanet 244, MedGen C0008780, MONDO:0016575, HP:0012265.

Allele frequency attached by ClinVar (database versions not stated): gnomAD 0.00001.

Submissions (2):

Ambry Genetics
Classification: Uncertain significance. Last evaluated: 2024-08-12. Review status: criteria provided, single submitter. Criteria: Ambry Variant Classification Scheme 2023. Collection method: clinical testing. Allele origin: germline.

Labcorp Genetics (formerly Invitae), Labcorp
Classification: Uncertain significance for Primary ciliary dyskinesia. Last evaluated: 2021-10-25. Review status: criteria provided, single submitter. Criteria: Invitae Variant Classification Sherloc (09022015). Collection method: clinical testing. Allele origin: germline.
Comment: In summary, the available evidence is currently insufficient to determine the role of this variant in disease. Therefore, it has been classified as a Variant of Uncertain Significance. Algorithms developed to predict the effect of missense changes on protein structure and function are either unavailable or do not agree on the potential impact of this missense change (SIFT: "Deleterious"; PolyPhen-2: "Not Available"; Align-GVGD: "Class C0"). This sequence change replaces histidine with tyrosine at codon 1990 of the DNAH8 protein (p.His1990Tyr). The histidine residue is highly conserved and there is a moderate physicochemical difference between histidine and tyrosine. This variant is not present in population databases (ExAC no frequency). This variant has not been reported in the literature in individuals affected with DNAH8-related conditions.